The following is an entry in ClinVar:

ClinVar aggregate classification (germline): Uncertain significance. Review status: criteria provided, multiple submitters, no conflicts (2 of 4 stars). 2 submissions from 2 submitters: Uncertain significance (2). Last evaluated 2022-04-15.

Submissions (2):

GeneDx
Classification: Uncertain significance. Last evaluated: 2022-04-15. Review status: criteria provided, single submitter. Criteria: GeneDx Variant Classification Process June 2021. Collection method: clinical testing. Allele origin: germline. Affected: yes.
Comment: Not observed at significant frequency in large population cohorts (gnomAD); In silico analysis supports that this missense variant does not alter protein structure/function; Has not been previously published as pathogenic or benign to our knowledge

Labcorp Genetics (formerly Invitae), Labcorp
Classification: Uncertain significance. Last evaluated: 2022-04-09. Review status: criteria provided, single submitter. Criteria: Invitae Variant Classification Sherloc (09022015). Collection method: clinical testing. Allele origin: germline.
Comment: In summary, the available evidence is currently insufficient to determine the role of this variant in disease. Therefore, it has been classified as a Variant of Uncertain Significance. Algorithms developed to predict the effect of missense changes on protein structure and function are either unavailable or do not agree on the potential impact of this missense change (SIFT: "Tolerated"; PolyPhen-2: "Not Available"; Align-GVGD: "Class C0"). This variant has not been reported in the literature in individuals affected with KAT6A-related conditions. This variant is not present in population databases (gnomAD no frequency). This sequence change replaces histidine, which is basic and polar, with tyrosine, which is neutral and polar, at codon 1380 of the KAT6A protein (p.His1380Tyr).

NM_006766.5(KAT6A):c.4138C>T (p.His1380Tyr)

Gene: KAT6A (lysine acetyltransferase 6A; minus strand). Cytogenetic location: 8p11.21.
Variant type: single nucleotide variant.
Coding change: c.4138C>T on transcript NM_006766.5 (MANE Select); coding-DNA position 4138, C replaced by T.
Protein change: p.His1380Tyr; replaces histidine 1380 with tyrosine.
Molecular consequence: missense variant.
Genome position (GRCh38, 1-based): chr8:41,934,082, G>A on the plus strand (C>T on the coding strand, the complement: KAT6A is on the minus strand). VCF-style: chr8-41934082-G-A. GRCh37 (hg19) VCF-style: chr8-41791600-G-A.
Other names: short protein forms H1380Y.
Identifiers: ClinVar variation 1710681 (VCV001710681.6), dbSNP rs2486756079, ClinGen allele CA371066891.